The following is an entry in ClinVar:

NM_001386135.1(AFF3):c.1823CCGCGG[3] (p.Ala611_Asp612insAlaAla)

Gene: AFF3 (ALF transcription elongation factor 3; minus strand). Cytogenetic location: 2q11.2.
Variant type: Microsatellite.
Coding change: c.1823CCGCGG[3] on transcript NM_001386135.1 (MANE Select); three copies in a row of the 6-base unit CCGCGG starting at c.1823; the reference has two copies in a row; one copy, 6 bases duplicated; also written c.1829_1834dup.
Protein change: p.Ala611_Asp612insAlaAla.
Molecular consequence: inframe insertion.
Genome position (GRCh38, 1-based): chr2:99,593,827-99,593,832, CCGCGG duplicated on the plus strand (CCGCGG on the coding strand, the reverse complement: AFF3 is on the minus strand); duplicating any 6 consecutive bases within chr2:99,593,827-99,593,838 gives the same sequence; the position shown is the placement nearest the transcript's 3' end. VCF-style (leftmost placement, unchanged base first): chr2-99593826-T-TCCGCGG. GRCh37 (hg19) VCF-style: chr2-100210288-T-TCCGCGG.
Other names: c.1898CCGCGG[3], p.Ala636_Asp637insAlaAla (NM_001025108.2); c.1823CCGCGG[3], p.Ala611_Asp612insAlaAla (NM_002285.3); c.1829_1834dup (NM_001386135.1).
Identifiers: ClinVar variation 3242076 (VCV003242076.1), dbSNP rs1558618319.

ClinVar aggregate classification (germline): Uncertain significance (1 of 4 stars; one submission).

Conditions:
KINSSHIP syndrome. Also called: MESOMELIC DYSPLASIA, STEICHEN-GERSDORF TYPE; MESOMELIC DYSPLASIA, AFF3-RELATED. Identifiers: MedGen C5543317, MONDO:0851095, OMIM 619297.

Submission:

Neuberg Centre For Genomic Medicine, NCGM
Classification: Uncertain significance for KINSSHIP syndrome. Review status: criteria provided, single submitter. Criteria: ACMG Guidelines, 2015. Collection method: clinical testing. Allele origin: germline. Inheritance: Autosomal dominant inheritance. Affected: yes.
Comment: The observed inframe insertion c.1829_1834dup(p.Ala610_Ala611dup) variant in AFF3 gene has not been reported previously as a pathogenic variant nor as a benign variant, to our knowledge. This variant is reported with the allele frequency of 0% in the gnomAD Exomes. This variant p.Ala610_Ala611dup causes duplication of amino acid Alanine at postion 610 and Alanine at postion 611. For these reasons, this variant has been classified as Uncertain Significance.